The following is an entry in ClinVar:

ClinVar aggregate classification (germline): Likely benign (1 of 4 stars; one submission).

Submission:

Women's Health and Genetics/Laboratory Corporation of America, LabCorp
Classification: Likely benign. Last evaluated: 2025-09-05. Review status: criteria provided, single submitter. Criteria: LabCorp Variant Classification Summary - May 2015. Collection method: clinical testing. Allele origin: germline.
Comment: Variant summary: DDX11 c.684+7_684+8delinsTG alters a nucleotide located at a position not widely known to affect splicing. Consensus agreement among computation tools predict no significant impact on normal splicing. However, these predictions have yet to be confirmed by functional studies. While the delins variant is not present in gnomAD, the c.684+8A>G subcomponent is present in ~80% of the EAS subpop and 51.9% of the global population. However, the c.684+7C>T component has only 1 heterozygous individual in gnomAD v2, and 6 heterozygous individuals in gnomAD v4 (0.000003732 in 1607930 chromosomes). Therefore the overall frequency of this delins variant is considered to be the lesser of these 2 subcomponents. The available data on variant occurrences in the general population are insufficient to allow any conclusion about variant significance. To our knowledge, no occurrence of c.684+7_684+8delinsTG in individuals affected with DDX11-related conditions and no experimental evidence demonstrating its impact on protein function have been reported. No submitters have cited clinical-significance assessments for this variant to ClinVar. Based on the evidence outlined above, the variant was classified as likely benign.

NM_030653.4(DDX11):c.684+7_684+8inv

Gene: DDX11 (DEAD/H-box helicase 11; plus strand). Cytogenetic location: 12p11.21.
Variant type: Inversion.
Coding change: c.684+7_684+8inv on transcript NM_030653.4 (MANE Select).
Molecular consequence: intron variant.
Genome position: GRCh38 VCF-style: chr12-31087990-CA-TG. GRCh37 (hg19) VCF-style: chr12-31240924-CA-TG.
Other names: c.684+7_684+8inv (NM_001413693.1, NM_152438.2, NM_004399.3 and 5 more transcripts); c.-178+7_-178+8inv (NM_001413705.1, NM_001413704.1); c.-195+7_-195+8inv (NM_001413706.1); c.597+7_597+8inv (NM_001413700.1); c.156+7_156+8inv (NM_001413702.1, NM_001413703.1); c.606+7_606+8inv (NM_001413697.1, NM_001413699.1, NM_001257145.2 and 1 more transcripts); c.684+7_684+8delinsTG (NM_030653.4).
Identifiers: ClinVar variation 4535716 (VCV004535716.1).